The following is an entry in ClinVar:

NM_000179.3(MSH6):c.3832_3838dup (p.Gln1280fs)

Gene: MSH6 (mutS homolog 6; plus strand). Cytogenetic location: 2p16.3.
Variant type: Duplication.
Coding change: c.3832_3838dup on transcript NM_000179.3 (MANE Select); coding-DNA positions 3832 to 3838, 7 bases duplicated (CCCAGCC; older notation c.3832_3838dupCCCAGCC).
Protein change: p.Gln1280fs; shifts the reading frame from glutamine 1280.
Molecular consequence: frameshift variant.
Genome position (GRCh38, 1-based): chr2:47,806,482-47,806,488, CCCAGCC duplicated; duplicating any 7 consecutive bases within chr2:47,806,481-47,806,488 gives the same sequence; the c. name uses the placement nearest the transcript's 3' end. VCF-style (leftmost placement, unchanged base first): chr2-47806480-A-ACCCCAGC. GRCh37 (hg19) VCF-style: chr2-48033619-A-ACCCCAGC.
Other names: c.3832_3838dup (NM_000179.2); c.3442_3448dup, p.Gln1150fs (NM_001281492.2); c.2926_2932dup, p.Gln978fs (NM_001281493.2, NM_001281494.2); short protein forms Q1280fs, Q1150fs, Q978fs.
Identifiers: ClinVar variation 824273 (VCV000824273.14), dbSNP rs1572746382, ClinGen allele CA915943978.
Genomic context (GRCh38, chr2:47,806,480, plus strand): 5'-CACATGTATCGCTAATATTTTTCTTTCTTAAGGCATGCATGGTAGAAAATGAATGTGAAG[A>ACCCCAGC]CCCCAGCCAGGAGACTATTACGTTCCTCTATAAATTCATTAAGGGAGCTTGTCCTAAAAG-3'

ClinVar aggregate classification (germline): Pathogenic/Likely pathogenic. Review status: criteria provided, multiple submitters, no conflicts (2 of 4 stars). 4 submissions from 4 submitters: Pathogenic (3); Likely pathogenic (1). Last evaluated 2025-07-30.

Conditions:
Mismatch repair cancer syndrome 3. Identifiers: MedGen C5436807, MONDO:0030841, OMIM 619097.
Endometrial carcinoma. Also called: Endometrial carcinoma, somatic. Identifiers: MedGen C0476089, MONDO:0002447, OMIM 608089, HP:0012114.
Lynch syndrome 5 (LYNCH5). Also called: Colorectal cancer, hereditary nonpolyposis, type 5; Hereditary non-polyposis colorectal cancer, type 5. Identifiers: Orphanet 144, MedGen C1833477, MONDO:0013710, OMIM 614350. Disease mechanism: loss of function.
Hereditary cancer-predisposing syndrome. Also called: Neoplastic Syndromes, Hereditary; Tumor predisposition; Hereditary neoplastic syndrome; Hereditary Cancer Syndrome. Identifiers: Orphanet 140162, MedGen C0027672, MeSH D009386, MONDO:0015356.
Hereditary nonpolyposis colorectal neoplasms. Identifiers: MedGen C0009405, MeSH D003123.

Submissions (4):

Labcorp Genetics (formerly Invitae), Labcorp
Classification: Pathogenic for Hereditary nonpolyposis colorectal neoplasms. Last evaluated: 2025-07-30. Review status: criteria provided, single submitter. Criteria: Invitae Variant Classification Sherloc (09022015). Collection method: clinical testing. Allele origin: germline.
Comment: This sequence change creates a premature translational stop signal (p.Gln1280Profs*11) in the MSH6 gene. It is expected to result in an absent or disrupted protein product. Loss-of-function variants in MSH6 are known to be pathogenic (PMID: 18269114, 24362816). This variant is not present in population databases (gnomAD no frequency). This variant has not been reported in the literature in individuals affected with MSH6-related conditions. ClinVar contains an entry for this variant (Variation ID: 824273). Algorithms developed to predict the effect of sequence changes on RNA splicing suggest that this variant may disrupt the consensus splice site. For these reasons, this variant has been classified as Pathogenic.

Myriad Genetics, Inc.
Classification: Pathogenic for Lynch syndrome 5. Last evaluated: 2023-08-25. Review status: criteria provided, single submitter. Criteria: Myriad Autosomal Dominant, Autosomal Recessive and X-Linked Classification Criteria (2023). Collection method: clinical testing. Allele origin: unknown.
Comment: This variant is considered pathogenic. This variant creates a frameshift predicted to result in premature protein truncation.

Fulgent Genetics
Classification: Likely pathogenic for Endometrial carcinoma; Lynch syndrome 5; Mismatch repair cancer syndrome 3. Last evaluated: 2021-07-18. Review status: criteria provided, single submitter. Criteria: ACMG Guidelines, 2015. Collection method: clinical testing. Allele origin: unknown.

Ambry Genetics
Classification: Pathogenic for Hereditary cancer-predisposing syndrome. Last evaluated: 2019-01-07. Review status: criteria provided, single submitter. Criteria: Ambry Variant Classification Scheme 2023. Collection method: clinical testing. Allele origin: germline.
Comment: The c.3832_3838dupCCCAGCC pathogenic mutation, located in coding exon 9 of the MSH6 gene, results from a duplication of CCCAGCC at nucleotide position 3832, causing a translational frameshift with a predicted alternate stop codon (p.Q1280Pfs*11). This alteration is expected to result in loss of function by premature protein truncation or nonsense-mediated mRNA decay. As such, this alteration is interpreted as a disease-causing mutation.

Literature cited by the submitters: PubMed 18269114 (cited by Labcorp Genetics (formerly Invitae), Labcorp); PubMed 24362816 (cited by Labcorp Genetics (formerly Invitae), Labcorp).